The following is an entry in ClinVar:

ClinVar aggregate classification (germline): Uncertain significance. Review status: criteria provided, multiple submitters, no conflicts (2 of 4 stars). 2 submissions from 2 submitters: Uncertain significance (2). Last evaluated 2024-04-24.

Allele frequency attached by ClinVar (database versions not stated): gnomAD 0.00437 and 0.00450; gnomAD exomes 0.00475; TOPMed 0.00351; 1000 Genomes Project 0.00140; 1000 Genomes Project 30x 0.00156.

Submissions (2):

Women's Health and Genetics/Laboratory Corporation of America, LabCorp
Classification: Uncertain significance. Last evaluated: 2024-04-24. Review status: criteria provided, single submitter. Criteria: LabCorp Variant Classification Summary - May 2015. Collection method: clinical testing. Allele origin: germline.
Comment: Variant summary: CD3E c.*98_*101dupAATC is located in the untranslated mRNA region downstream of the termination codon. The variant was absent in 31326 control chromosomes (gnomAD). The available data on variant occurrences in the general population are insufficient to allow any conclusion about variant significance. To our knowledge, no occurrence of c.*98_*101dupAATC in individuals affected with Severe Combined Immunodeficiency and no experimental evidence demonstrating its impact on protein function have been reported. ClinVar contains an entry for this variant (Variation ID: 35810). Based on the evidence outlined above, the variant was classified as uncertain significance.

Breakthrough Genomics
Classification: Uncertain significance. Review status: criteria provided, single submitter. Criteria: ACMG Guidelines, 2015. Collection method: not provided. Allele origin: germline. Inheritance: Autosomal recessive inheritance. Affected: yes.

NM_000733.4(CD3E):c.*98_*101dup

Gene: CD3E (CD3 epsilon subunit of T-cell receptor complex; plus strand). Cytogenetic location: 11q23.3.
Variant type: Duplication.
Coding change: c.*98_*101dup on transcript NM_000733.4 (MANE Select); 98 bases downstream of the stop codon through 101 bases downstream of the stop codon, 4 bases duplicated (AATC; older notation c.*98_*101dupAATC).
Molecular consequence: 3 prime UTR variant.
Genome position (GRCh38, 1-based): chr11:118,315,640-118,315,643, AATC duplicated. VCF-style (leftmost placement, unchanged base first): chr11-118315639-G-GAATC. GRCh37 (hg19) VCF-style: chr11-118186354-G-GAATC.
Other names: c.*98_*101dupAATC (NM_000733.3, NM_000733.4).
Identifiers: ClinVar variation 35810 (VCV000035810.10), dbSNP rs193922618, ClinGen allele CA213617.